The following is an entry in ClinVar:

NM_003919.3(SGCE):c.538C>A (p.Leu180Ile)

Genes: CASD1 (CAS1 domain sialic acid O acetyltransferase 1; plus strand), SGCE (sarcoglycan epsilon; minus strand). Cytogenetic location: 7q21.3.
Variant type: single nucleotide variant.
Coding change: c.538C>A on transcript NM_003919.3 (MANE Select); coding-DNA position 538, C replaced by A.
Protein change: p.Leu180Ile; replaces leucine 180 with isoleucine.
Molecular consequence: missense variant.
Genome position (GRCh38, 1-based): chr7:94,618,882, G>T on the plus strand (C>A on the coding strand, the complement: SGCE is on the minus strand). VCF-style: chr7-94618882-G-T. GRCh37 (hg19) VCF-style: chr7-94248194-G-T.
Other names: c.538C>A, p.Leu180Ile (NM_001099400.2, NM_001099401.2, NM_001346717.2); c.415C>A, p.Leu139Ile (NM_001301139.2, NM_001362809.2); c.646C>A, p.Leu216Ile (NM_001346713.2, NM_001346715.2); c.451C>A, p.Leu151Ile (NM_001346719.2, NM_001362807.2); c.265C>A, p.Leu89Ile (NM_001346720.2, NM_001362808.2); short protein forms L89I, L139I, L151I, L180I, L216I.
Identifiers: ClinVar variation 2898822 (VCV002898822.3), dbSNP rs376936851, ClinGen allele CA4348773.
Genomic context (GRCh38, chr7:94,618,882, plus strand): 5'-TTATGGCGTTCAGGCGCTCTGGCTGCCACACATTTTTCACTGCGCCAAGAAAGTCTCCAA[G>T]AACCTCACTGGCCAACATTTCTTCTACATTCATATTCTTAATGAAGAATTCTGCTTGATA-3'
Protein context (NP_003910.1, residues 170-190): NVEEMLASEV[Leu180Ile]GDFLGAVKNV

ClinVar aggregate classification (germline): Uncertain significance (1 of 4 stars; one submission).

Conditions:
Myoclonic dystonia 11 (DYT11). Also called: Myoclonic dystonia; Dystonia 11; Dystonia, alcohol responsive; Hereditary essential myoclonus; SGCE Myoclonus-Dystonia; Myoclonus-Dystonia. Identifiers: Orphanet 36899, MedGen C1834570, MONDO:0008044, OMIM 159900.

Allele frequency attached by ClinVar (database versions not stated): gnomAD exomes below 0.00001; ExAC 0.00002; gnomAD 0.00005; TOPMed 0.00005; ESP Exome Variant Server 0.00008.
gnomAD v4.1: 9 of 1,613,834 alleles (0.00056%); highest among the groups gnomAD compares: African/African-American, 0.012%; no homozygotes.

Submission:

Labcorp Genetics (formerly Invitae), Labcorp
Classification: Uncertain significance for Myoclonic dystonia 11. Last evaluated: 2025-01-25. Review status: criteria provided, single submitter. Criteria: Invitae Variant Classification Sherloc (09022015). Collection method: clinical testing. Allele origin: germline.
Comment: This sequence change replaces leucine, which is neutral and non-polar, with isoleucine, which is neutral and non-polar, at codon 180 of the SGCE protein (p.Leu180Ile). This variant is present in population databases (rs376936851, gnomAD 0.02%). This variant has not been reported in the literature in individuals affected with SGCE-related conditions. ClinVar contains an entry for this variant (Variation ID: 2898822). Invitae Evidence Modeling of protein sequence and biophysical properties (such as structural, functional, and spatial information, amino acid conservation, physicochemical variation, residue mobility, and thermodynamic stability) indicates that this missense variant is not expected to disrupt SGCE protein function with a negative predictive value of 80%. In summary, the available evidence is currently insufficient to determine the role of this variant in disease. Therefore, it has been classified as a Variant of Uncertain Significance.